The following is an entry in ClinVar:

ClinVar aggregate classification (germline): Conflicting classifications of pathogenicity. Review status: criteria provided, conflicting classifications (1 of 4 stars). 5 submissions from 5 submitters: Uncertain significance (3); Likely benign (1). 1 of the submissions does not count toward it. Last evaluated 2024-12-02.

Conditions:
Short-rib thoracic dysplasia 10 with or without polydactyly (SRTD10). Identifiers: Orphanet 474, MedGen C3810175, MONDO:0014284, OMIM 615630.
Retinitis pigmentosa 71 (RP71). Identifiers: Orphanet 791, MedGen C4225342, MONDO:0014618, OMIM 616394.
Bardet-Biedl syndrome 20. Identifiers: MedGen C4310707, MONDO:0023670, OMIM 619471, MONDO:0014926.
IFT172-related disorder. Also called: IFT172-related condition; IFT172-related disorders.

Allele frequency attached by ClinVar (database versions not stated): gnomAD exomes below 0.00001 and 0.00001; gnomAD 0.00004; TOPMed 0.00005; ExAC 0.00001.
gnomAD v4.1: 13 of 1,614,078 alleles (0.00081%); highest among the groups gnomAD compares: African/African-American, 0.015%; 1 homozygote.

Submissions (5):

Labcorp Genetics (formerly Invitae), Labcorp
Classification: Uncertain significance for Retinitis pigmentosa 71; Short-rib thoracic dysplasia 10 with or without polydactyly. Last evaluated: 2024-12-02. Review status: criteria provided, single submitter. Criteria: Invitae Variant Classification Sherloc (09022015). Collection method: clinical testing. Allele origin: germline.
Comment: This sequence change replaces alanine, which is neutral and non-polar, with valine, which is neutral and non-polar, at codon 1558 of the IFT172 protein (p.Ala1558Val). This variant is present in population databases (rs757464563, gnomAD 0.01%). This variant has not been reported in the literature in individuals affected with IFT172-related conditions. ClinVar contains an entry for this variant (Variation ID: 1047458). Invitae Evidence Modeling of protein sequence and biophysical properties (such as structural, functional, and spatial information, amino acid conservation, physicochemical variation, residue mobility, and thermodynamic stability) indicates that this missense variant is not expected to disrupt IFT172 protein function with a negative predictive value of 95%. In summary, the available evidence is currently insufficient to determine the role of this variant in disease. Therefore, it has been classified as a Variant of Uncertain Significance.

GeneDx
Classification: Uncertain significance. Last evaluated: 2024-10-07. Review status: criteria provided, single submitter. Criteria: GeneDx Variant Classification Process June 2021. Collection method: clinical testing. Allele origin: germline. Affected: yes.
Comment: In silico analysis indicates that this missense variant does not alter protein structure/function; Has not been previously published as pathogenic or benign to our knowledge

Fulgent Genetics
Classification: Likely benign for Short-rib thoracic dysplasia 10 with or without polydactyly; Retinitis pigmentosa 71; Bardet-Biedl syndrome 20. Last evaluated: 2024-05-21. Review status: criteria provided, single submitter. Criteria: ACMG Guidelines, 2015. Collection method: clinical testing. Allele origin: germline.

Blueprint Genetics
Classification: Uncertain significance. Last evaluated: 2022-07-28. Review status: criteria provided, single submitter. Criteria: ACMG Guidelines, 2015. Collection method: clinical testing. Allele origin: germline.

PreventionGenetics, part of Exact Sciences
Classification: Uncertain significance for IFT172-related condition. Last evaluated: 2024-09-17. Review status: no assertion criteria provided. Collection method: clinical testing. Allele origin: germline. Not counted in ClinVar's aggregate classification.
Comment: The IFT172 c.4673C>T variant is predicted to result in the amino acid substitution p.Ala1558Val. To our knowledge, this variant has not been reported in the literature. This variant is reported in 0.016% of alleles in individuals of African descent in gnomAD. At this time, the clinical significance of this variant is uncertain due to the absence of conclusive functional and genetic evidence.

NM_015662.3(IFT172):c.4673C>T (p.Ala1558Val)

Genes: IFT172 (intraflagellar transport 172; minus strand), KRTCAP3 (keratinocyte associated protein 3; plus strand). Cytogenetic location: 2p23.3.
Variant type: single nucleotide variant.
Coding change: c.4673C>T on transcript NM_015662.3 (MANE Select); coding-DNA position 4673, C replaced by T.
Protein change: p.Ala1558Val; replaces alanine 1558 with valine.
Molecular consequence: missense variant. On other transcripts: 3 prime UTR variant (1).
Genome position (GRCh38, 1-based): chr2:27,446,342, G>A on the plus strand (C>T on the coding strand, the complement: IFT172 is on the minus strand). VCF-style: chr2-27446342-G-A. GRCh37 (hg19) VCF-style: chr2-27669209-G-A.
Other names: c.*47G>A (NM_001168364.2); c.4607C>T, p.Ala1536Val (NM_001410739.1); c.4673C>T (NM_015662.2); short protein forms A1558V, A1536V.
Identifiers: ClinVar variation 1047458 (VCV001047458.15), dbSNP rs757464563, ClinGen allele CA1579518.
Genomic context (GRCh38, chr2:27,446,342, plus strand): 5'-TAGAAGGCTTTGTCTACAGGTAGTAGCTGGGTGTGACGCAAGAGTGAAACAGAAAGCCTG[G>A]CAGCCACGGTTTCCTGGGATTAAAGTCAAAGCATTATGAATATGGCACTAAAGTGACTGA-3'
Protein context (NP_056477.1, residues 1548-1568): QSVKQLETVA[Ala1558Val]RLSVSLLRHT